The following is an entry in ClinVar:

ClinVar aggregate classification (germline): Uncertain significance (1 of 4 stars; one submission).

Conditions:
Aortic aneurysm, familial thoracic 7 (AAT7). Also called: AORTIC DISSECTION, FAMILIAL, WITH OR WITHOUT AORTIC ANEURYSM. Identifiers: MedGen C3151077, MONDO:0013418, OMIM 613780.

Submission:

Labcorp Genetics (formerly Invitae), Labcorp
Classification: Uncertain significance for Aortic aneurysm, familial thoracic 7. Last evaluated: 2023-03-01. Review status: criteria provided, single submitter. Criteria: Invitae Variant Classification Sherloc (09022015). Collection method: clinical testing. Allele origin: germline.
Comment: This sequence change replaces valine, which is neutral and non-polar, with leucine, which is neutral and non-polar, at codon 542 of the MYLK protein (p.Val542Leu). This variant is not present in population databases (gnomAD no frequency). This variant has not been reported in the literature in individuals affected with MYLK-related conditions. Advanced modeling of protein sequence and biophysical properties (such as structural, functional, and spatial information, amino acid conservation, physicochemical variation, residue mobility, and thermodynamic stability) performed at Invitae indicates that this missense variant is not expected to disrupt MYLK protein function. In summary, the available evidence is currently insufficient to determine the role of this variant in disease. Therefore, it has been classified as a Variant of Uncertain Significance.

NM_053025.4(MYLK):c.1624G>C (p.Val542Leu)

Gene: MYLK (myosin light chain kinase; minus strand). Cytogenetic location: 3q21.1.
Variant type: single nucleotide variant.
Coding change: c.1624G>C on transcript NM_053025.4 (MANE Select); coding-DNA position 1624, G replaced by C.
Protein change: p.Val542Leu; replaces valine 542 with leucine.
Molecular consequence: missense variant.
Genome position (GRCh38, 1-based): chr3:123,725,971, C>G on the plus strand (G>C on the coding strand, the complement: MYLK is on the minus strand). VCF-style: chr3-123725971-C-G. GRCh37 (hg19) VCF-style: chr3-123444818-C-G.
Other names: c.1096G>C, p.Val366Leu (NM_001321309.2); c.1417G>C, p.Val473Leu (NM_053026.4, NM_053028.4); c.1624G>C, p.Val542Leu (NM_053027.4); short protein forms V542L, V366L, V473L.
Identifiers: ClinVar variation 2805933 (VCV002805933.3), dbSNP rs746927751, ClinGen allele CA354235587.